The following is an entry in ClinVar:

ClinVar aggregate classification (germline): Likely benign. Review status: criteria provided, multiple submitters, no conflicts (2 of 4 stars). 8 submissions from 7 submitters: Likely benign (7). 1 of the submissions does not count toward it. Last evaluated 2026-02-04.

Conditions:
Junctional epidermolysis bullosa gravis of Herlitz. Also called: Herlitz-type junctional epidermolysis bullosa; EPIDERMOLYSIS BULLOSA, JUNCTIONAL 1B, SEVERE; EPIDERMOLYSIS BULLOSA JUNCTIONALIS, HERLITZ TYPE; EPIDERMOLYSIS BULLOSA, JUNCTIONAL, HERLITZ-PEARSON TYPE; JEB-HERLITZ TYPE; Epidermolysis Bullosa Letalis. Identifiers: Orphanet 79404, MedGen C0079683, MONDO:0009182, OMIM 226700.
Laryngo-onycho-cutaneous syndrome (JEB2C). Also called: EPIDERMOLYSIS BULLOSA, JUNCTIONAL 2C, LARYNGOONYCHOCUTANEOUS; LOGIC SYNDROME; SHABBIR SYNDROME. Identifiers: Orphanet 2407, MedGen C1328355, MONDO:0009513, OMIM 245660.
Epidermolysis bullosa, junctional 2A, intermediate. Also called: EPIDERMOLYSIS BULLOSA, JUNCTIONAL 2A, GENERALIZED INTERMEDIATE; EPIDERMOLYSIS BULLOSA, JUNCTIONAL 2A, NON-HERLITZ TYPE. Identifiers: MedGen C5676936, MONDO:0030746, OMIM 619783.
Epidermolysis bullosa, junctional 2B, severe. Also called: EPIDERMOLYSIS BULLOSA, JUNCTIONAL 2B, GENERALIZED SEVERE; EPIDERMOLYSIS BULLOSA, JUNCTIONAL 2B, HERLITZ TYPE. Identifiers: MedGen C5676937, MONDO:0030747, OMIM 619784.
LAMA3-related disorder. Also called: LAMA3-related disorders; LAMA3-related condition.

Allele frequency attached by ClinVar (database versions not stated): TOPMed 0.00127; ESP Exome Variant Server 0.00154; 1000 Genomes Project 0.00200; 1000 Genomes Project 30x 0.00203.
gnomAD v4.1: 2,735 of 1,613,794 alleles (0.17%); highest among the groups gnomAD compares: South Asian, 0.65%; 8 homozygotes.

Submissions (8):

Labcorp Genetics (formerly Invitae), Labcorp
Classification: Likely benign. Last evaluated: 2026-02-04. Review status: criteria provided, single submitter. Criteria: Invitae Variant Classification Sherloc (09022015). Collection method: clinical testing. Allele origin: germline.

Blueprint Genetics
Classification: Likely benign. Last evaluated: 2024-11-23. Review status: criteria provided, single submitter. Criteria: ACMG Guidelines, 2015. Collection method: clinical testing. Allele origin: germline.

Department of Pathology and Laboratory Medicine, Sinai Health System
Classification: Likely benign for Junctional epidermolysis bullosa gravis of Herlitz; Laryngo-onycho-cutaneous syndrome; Epidermolysis bullosa, junctional 2A, intermediate; Epidermolysis bullosa, junctional 2B, severe. Last evaluated: 2021-11-18. Review status: criteria provided, single submitter. Criteria: ACMG Guidelines, 2015. Collection method: research. Allele origin: germline.

Genome-Nilou Lab
Classification: Likely benign for Junctional epidermolysis bullosa gravis of Herlitz. Last evaluated: 2021-05-18. Review status: criteria provided, single submitter. Criteria: ACMG Guidelines, 2015. Collection method: clinical testing. Allele origin: germline. Affected: no.

Illumina Laboratory Services, Illumina
Classification: Likely benign for Laryngo-onycho-cutaneous syndrome. Last evaluated: 2018-01-13. Review status: criteria provided, single submitter. Criteria: ICSL Variant Classification Criteria 13 December 2019. Collection method: clinical testing. Allele origin: germline.
Comment: This variant was observed in the ICSL laboratory as part of a predisposition screen in an ostensibly healthy population. It had not been previously curated by ICSL or reported in the Human Gene Mutation Database (HGMD: prior to June 1st, 2018), and was therefore a candidate for classification through an automated scoring system. Utilizing variant allele frequency, disease prevalence and penetrance estimates, and inheritance mode, an automated score was calculated to assess if this variant is too frequent to cause the disease. Based on the score and internal cut-off values, a variant classified as likely benign is not then subjected to further curation. The score for this variant resulted in a classification of likely benign for this disease.

Illumina Laboratory Services, Illumina
Classification: Likely benign for Junctional epidermolysis bullosa gravis of Herlitz. Last evaluated: 2018-01-13. Review status: criteria provided, single submitter. Criteria: ICSL Variant Classification Criteria 13 December 2019. Collection method: clinical testing. Allele origin: germline.
Comment: the same text as in the submission from Illumina Laboratory Services, Illumina above.

Breakthrough Genomics
Classification: Likely benign. Review status: criteria provided, single submitter. Criteria: ACMG Guidelines, 2015. Collection method: not provided. Allele origin: germline. Inheritance: Autosomal recessive inheritance. Affected: yes.

PreventionGenetics, part of Exact Sciences
Classification: Likely benign for LAMA3-related condition. Last evaluated: 2024-02-22. Review status: no assertion criteria provided. Collection method: clinical testing. Allele origin: germline. Not counted in ClinVar's aggregate classification.
Comment: This variant is classified as likely benign based on ACMG/AMP sequence variant interpretation guidelines (Richards et al. 2015 PMID: 25741868, with internal and published modifications).

NM_198129.4(LAMA3):c.7928G>T (p.Arg2643Leu)

Gene: LAMA3 (laminin subunit alpha 3; plus strand). Cytogenetic location: 18q11.2.
Variant type: single nucleotide variant.
Coding change: c.7928G>T on transcript NM_198129.4 (MANE Select); coding-DNA position 7928, G replaced by T.
Protein change: p.Arg2643Leu; replaces arginine 2643 with leucine.
Molecular consequence: missense variant.
Genome position (GRCh38, 1-based): chr18:23,920,939, G>T. VCF-style: chr18-23920939-G-T. GRCh37 (hg19) VCF-style: chr18-21500903-G-T.
Other names: c.3101G>T, p.Arg1034Leu (NM_000227.6); c.7760G>T, p.Arg2587Leu (NM_001127717.4); c.2933G>T, p.Arg978Leu (NM_001127718.4); short protein forms R2643L, R1034L, R978L, R2587L.
Identifiers: ClinVar variation 326324 (VCV000326324.22), dbSNP rs45516998, ClinGen allele CA8916794.